The following is an entry in ClinVar:

ClinVar aggregate classification (germline): Benign/Likely benign. Review status: criteria provided, multiple submitters, no conflicts (2 of 4 stars). 8 submissions from 8 submitters: Benign (4); Likely benign (2). 2 of the submissions do not count toward it. Last evaluated 2026-10-01.

Conditions:
ELAC2-related disorder. Also called: ELAC2-related condition.
Combined oxidative phosphorylation defect type 17. Also called: Combined oxidative phosphorylation deficiency 17. Identifiers: Orphanet 369913, MedGen C3809526, MONDO:0014190, OMIM 615440.
Prostate cancer, hereditary, 2 (HPC2). Identifiers: Orphanet 1331, MedGen C3539120, MONDO:0013872, OMIM 614731.

Allele frequency attached by ClinVar (database versions not stated): TOPMed 0.00469; ExAC 0.00631; gnomAD 0.00638 and 0.00657; gnomAD exomes 0.00648 and 0.00677; 1000 Genomes Project 30x 0.00344; ESP Exome Variant Server 0.00438; 1000 Genomes Project 0.00439.
gnomAD v4.1: 10,386 of 1,613,030 alleles (0.64%); highest among the groups gnomAD compares: Non-Finnish European, 0.65%; 77 homozygotes.

Submissions (8):

CeGaT Center for Human Genetics Tuebingen
Classification: Likely benign. Last evaluated: 2026-10-01. Review status: criteria provided, single submitter. Criteria: CeGaT Center For Human Genetics Tuebingen Variant Classification Criteria Version 2. Collection method: clinical testing. Allele origin: germline. Affected: yes. Observed: 19 variant alleles.
Comment: ELAC2: BP4, BS2

Labcorp Genetics (formerly Invitae), Labcorp
Classification: Benign for Combined oxidative phosphorylation defect type 17. Last evaluated: 2026-02-03. Review status: criteria provided, single submitter. Criteria: Invitae Variant Classification Sherloc (09022015). Collection method: clinical testing. Allele origin: germline.

Blueprint Genetics
Classification: Likely benign. Last evaluated: 2024-11-26. Review status: criteria provided, single submitter. Criteria: ACMG Guidelines, 2015. Collection method: clinical testing. Allele origin: germline.

KCCC/NGS Laboratory, Kuwait Cancer Control Center
Classification: Benign for Prostate cancer, hereditary, 2. Last evaluated: 2023-07-07. Review status: criteria provided, single submitter. Criteria: ACMG Guidelines, 2015. Collection method: clinical testing. Allele origin: germline. Affected: yes.

GeneDx
Classification: Benign. Last evaluated: 2016-11-14. Review status: criteria provided, single submitter. Criteria: GeneDx Variant Classification (06012015). Collection method: clinical testing. Allele origin: germline. Affected: yes.
Comment: This variant is considered likely benign or benign based on one or more of the following criteria: it is a conservative change, it occurs at a poorly conserved position in the protein, it is predicted to be benign by multiple in silico algorithms, and/or has population frequency not consistent with disease.

Breakthrough Genomics
Classification: Benign. Review status: criteria provided, single submitter. Criteria: ACMG Guidelines, 2015. Collection method: not provided. Allele origin: germline. Inheritance: Autosomal recessive inheritance. Affected: yes.

PreventionGenetics, part of Exact Sciences
Classification: Benign for ELAC2-related condition. Last evaluated: 2020-01-27. Review status: no assertion criteria provided. Collection method: clinical testing. Allele origin: germline. Not counted in ClinVar's aggregate classification.
Comment: This variant is classified as benign based on ACMG/AMP sequence variant interpretation guidelines (Richards et al. 2015 PMID: 25741868, with internal and published modifications).

Mayo Clinic Laboratories, Mayo Clinic
Classification: Benign. Last evaluated: 2017-08-04. Review status: no assertion criteria provided. Collection method: clinical testing. Allele origin: unknown. Not counted in ClinVar's aggregate classification.

NM_018127.7(ELAC2):c.368-4T>A

Gene: ELAC2 (elaC ribonuclease Z 2; minus strand). Cytogenetic location: 17p12.
Variant type: single nucleotide variant.
Coding change: c.368-4T>A on transcript NM_018127.7 (MANE Select); 4 bases into the intron before coding-DNA position 368, T replaced by A.
Molecular consequence: intron variant.
Genome position (GRCh38, 1-based): chr17:13,015,836, A>T on the plus strand (T>A on the coding strand, the complement: ELAC2 is on the minus strand). VCF-style: chr17-13015836-A-T. GRCh37 (hg19) VCF-style: chr17-12919153-A-T.
Other names: c.368-4T>A (NM_001165962.2, NM_173717.2, NM_001165962.1).
Identifiers: ClinVar variation 241279 (VCV000241279.45), dbSNP rs139778647, ClinGen allele CA8401690.